The following is an entry in ClinVar:

NM_020686.6(ABAT):c.771G>C (p.Glu257Asp)

Gene: ABAT (4-aminobutyrate aminotransferase; plus strand). Cytogenetic location: 16p13.2.
Variant type: single nucleotide variant.
Coding change: c.771G>C on transcript NM_020686.6 (MANE Select); coding-DNA position 771, G replaced by C.
Protein change: p.Glu257Asp; replaces glutamic acid 257 with aspartic acid.
Molecular consequence: missense variant.
Genome position (GRCh38, 1-based): chr16:8,768,928, G>C. VCF-style: chr16-8768928-G-C. GRCh37 (hg19) VCF-style: chr16-8862785-G-C.
Other names: c.771G>C, p.Glu257Asp (NM_000663.5, NM_001127448.2, NM_001386600.1 and 7 more transcripts); c.708G>C, p.Glu236Asp (NM_001386606.1, NM_001386607.1); c.678G>C, p.Glu226Asp (NM_001386608.1); c.636G>C, p.Glu212Asp (NM_001386610.1, NM_001386611.1); c.573G>C, p.Glu191Asp (NM_001386612.1, NM_001386613.1); c.525G>C, p.Glu175Asp (NM_001386614.1); c.867G>C, p.Glu289Asp (NM_001386615.1); short protein forms E257D, E175D, E191D, E212D, E226D, E236D, E289D.
Identifiers: ClinVar variation 665270 (VCV000665270.11), dbSNP rs369478103, ClinGen allele CA7893287.

ClinVar aggregate classification (germline): Uncertain significance. Review status: criteria provided, multiple submitters, no conflicts (2 of 4 stars). 3 submissions from 3 submitters: Uncertain significance (3). Last evaluated 2024-12-02.

Conditions:
Inborn genetic diseases. Identifiers: MedGen C0950123, MeSH D030342.
Gamma-aminobutyric acid transaminase deficiency (GABATD). Also called: GABA transaminase deficiency; Gamma aminobutyrate transaminase deficiency; 4 alpha aminobutyrate transaminase deficiency; GABA aminotransaminase deficiency. Identifiers: Orphanet 2066, MedGen C0342708, MONDO:0013166, OMIM 613163.

Allele frequency attached by ClinVar (database versions not stated): ExAC 0.00002; gnomAD exomes 0.00003; gnomAD 0.00004; TOPMed 0.00004; ESP Exome Variant Server 0.00008.
gnomAD v4.1: 55 of 1,614,074 alleles (0.0034%); highest among the groups gnomAD compares: Non-Finnish European, 0.0044%; no homozygotes.

Submissions (3):

Labcorp Genetics (formerly Invitae), Labcorp
Classification: Uncertain significance for Gamma-aminobutyric acid transaminase deficiency. Last evaluated: 2024-12-02. Review status: criteria provided, single submitter. Criteria: Invitae Variant Classification Sherloc (09022015). Collection method: clinical testing. Allele origin: germline.
Comment: This sequence change replaces glutamic acid, which is acidic and polar, with aspartic acid, which is acidic and polar, at codon 257 of the ABAT protein (p.Glu257Asp). This variant is present in population databases (rs369478103, gnomAD 0.006%). This variant has not been reported in the literature in individuals affected with ABAT-related conditions. ClinVar contains an entry for this variant (Variation ID: 665270). Invitae Evidence Modeling of protein sequence and biophysical properties (such as structural, functional, and spatial information, amino acid conservation, physicochemical variation, residue mobility, and thermodynamic stability) indicates that this missense variant is not expected to disrupt ABAT protein function with a negative predictive value of 80%. In summary, the available evidence is currently insufficient to determine the role of this variant in disease. Therefore, it has been classified as a Variant of Uncertain Significance.

Blueprint Genetics
Classification: Uncertain significance. Last evaluated: 2024-09-17. Review status: criteria provided, single submitter. Criteria: ACMG Guidelines, 2015. Collection method: clinical testing. Allele origin: germline.

Ambry Genetics
Classification: Uncertain significance for Inborn genetic diseases. Last evaluated: 2024-04-01. Review status: criteria provided, single submitter. Criteria: Ambry Variant Classification Scheme 2023. Collection method: clinical testing. Allele origin: germline.